The following is an entry in ClinVar:

NM_017617.5(NOTCH1):c.6968A>G (p.Tyr2323Cys)

Gene: NOTCH1 (notch receptor 1; minus strand). Cytogenetic location: 9q34.3.
Variant type: single nucleotide variant.
Coding change: c.6968A>G on transcript NM_017617.5 (MANE Select); coding-DNA position 6968, A replaced by G.
Protein change: p.Tyr2323Cys; replaces tyrosine 2323 with cysteine.
Molecular consequence: missense variant.
Genome position (GRCh38, 1-based): chr9:136,496,771, T>C on the plus strand (A>G on the coding strand, the complement: NOTCH1 is on the minus strand). VCF-style: chr9-136496771-T-C. GRCh37 (hg19) VCF-style: chr9-139391223-T-C.
Other names: c.6968A>G (NM_017617.3); short protein forms Y2323C.
Identifiers: ClinVar variation 1491568 (VCV001491568.9), dbSNP rs779811889, ClinGen allele CA5339777.
Genomic context (GRCh38, chr9:136,496,771, plus strand): 5'-TGCAGGGAGGGGGCCTGTGTGCTCAGGGGGCCTGGTGCCACACTCCCCCGCAGAGGGTTG[T>C]ATTGGTTCGGCACCATGCCGCTCTGCAGCCGGGACAGCCACTCGCATTGACCATTCAAAC-3'
Protein context (NP_060087.3, residues 2313-2333): RLQSGMVPNQ[Tyr2323Cys]NPLRGSVAPG

ClinVar aggregate classification (germline): Conflicting classifications of pathogenicity. Review status: criteria provided, conflicting classifications (1 of 4 stars). 2 submissions from 2 submitters: Uncertain significance (1); Benign (1). Last evaluated 2025-02-27.

Conditions:
Adams-Oliver syndrome 5 (AOS5). Identifiers: Orphanet 974, MedGen C4014970, MONDO:0014459, OMIM 616028.
Familial thoracic aortic aneurysm and aortic dissection (TAAD). Also called: Thoracic aortic aneurysms and dissections. Identifiers: Orphanet 91387, MedGen C4707243, MONDO:0019625.

Allele frequency attached by ClinVar (database versions not stated): ExAC 0.00001; gnomAD exomes 0.00001; TOPMed 0.00001.
gnomAD v4.1: 4 of 1,612,832 alleles (0.00025%); highest among the groups gnomAD compares: East Asian, 0.0022%; no homozygotes.

Submissions (2):

Ambry Genetics
Classification: Uncertain significance for Familial thoracic aortic aneurysm and aortic dissection. Last evaluated: 2025-02-27. Review status: criteria provided, single submitter. Criteria: Ambry Variant Classification Scheme 2023. Collection method: clinical testing. Allele origin: germline.
Comment: The p.Y2323C variant (also known as c.6968A>G), located in coding exon 34 of the NOTCH1 gene, results from an A to G substitution at nucleotide position 6968. The tyrosine at codon 2323 is replaced by cysteine, an amino acid with highly dissimilar properties. This amino acid position is conserved. In addition, the in silico prediction for this alteration is inconclusive. Based on the available evidence, the clinical significance of this variant remains unclear.

Labcorp Genetics (formerly Invitae), Labcorp
Classification: Benign for Adams-Oliver syndrome 5. Last evaluated: 2022-08-23. Review status: criteria provided, single submitter. Criteria: Invitae Variant Classification Sherloc (09022015). Collection method: clinical testing. Allele origin: germline.